The following is an entry in ClinVar:

NM_001394062.1(MACF1):c.15626G>A (p.Cys5209Tyr)

Gene: MACF1 (microtubule actin crosslinking factor 1; plus strand). Cytogenetic location: 1p34.3.
Variant type: single nucleotide variant.
Coding change: c.15626G>A on transcript NM_001394062.1 (MANE Select); coding-DNA position 15626, G replaced by A.
Protein change: p.Cys5209Tyr; replaces cysteine 5209 with tyrosine.
Molecular consequence: missense variant.
Genome position (GRCh38, 1-based): chr1:39,388,468, G>A. VCF-style: chr1-39388468-G-A. GRCh37 (hg19) VCF-style: chr1-39854140-G-A.
Other names: c.9440G>A, p.Cys3147Tyr (NM_012090.5); short protein forms C3147Y, C5209Y.
Identifiers: ClinVar variation 4532489 (VCV004532489.1).
Genomic context (GRCh38, chr1:39,388,468, plus strand): 5'-AAGAGGGGACTCTGGATTTGTTAGGTCTCAAAAGGGAGCTAGAAGCCCTGAACAAACAGT[G>A]TGGCAAACTGACAGAGAGGGGGAAAGCTCGTCAGGAACAGCTGGAACTGACACTAGGCCG-3'
Protein context (NP_001380991.1, residues 5199-5219): KRELEALNKQ[Cys5209Tyr]GKLTERGKAR

ClinVar aggregate classification (germline): Uncertain significance (1 of 4 stars; one submission).

gnomAD v4.1: 1 of 1,614,176 alleles (0.000062%); highest among the groups gnomAD compares: East Asian, 0.0022%; no homozygotes.

Submission:

GeneDx
Classification: Uncertain significance. Last evaluated: 2025-05-28. Review status: criteria provided, single submitter. Criteria: GeneDx Variant Classification Process June 2021. Collection method: clinical testing. Allele origin: germline. Affected: yes.
Comment: Not observed at significant frequency in large population cohorts (gnomAD); In silico analysis supports that this missense variant has a deleterious effect on protein structure/function; Has not been previously published as pathogenic or benign to our knowledge